The following is an entry in ClinVar:

ClinVar aggregate classification (germline): Benign/Likely benign. Review status: criteria provided, multiple submitters, no conflicts (2 of 4 stars). 2 submissions from 2 submitters: Benign (1); Likely benign (1). Last evaluated 2025-02-16.

Allele frequency attached by ClinVar (database versions not stated): TOPMed 0.00009; gnomAD 0.00021.
gnomAD v4.1: 230 of 1,148,987 alleles (0.02%); highest among the groups gnomAD compares: Non-Finnish European, 0.024%; no homozygotes.

Submissions (2):

Laboratory of Genetics, Children's Clinical University Hospital Latvia
Classification: Benign. Last evaluated: 2025-02-16. Review status: criteria provided, single submitter. Criteria: ACMG Guidelines, 2015. Collection method: clinical testing. Allele origin: germline. Affected: yes.

CeGaT Center for Human Genetics Tuebingen
Classification: Likely benign. Last evaluated: 2022-12-01. Review status: criteria provided, single submitter. Criteria: CeGaT Center For Human Genetics Tuebingen Variant Classification Criteria Version 2. Collection method: clinical testing. Allele origin: germline. Affected: yes. Observed: 1 variant allele.
Comment: MAMLD1: BP4, BS2

NM_005491.5(MAMLD1):c.*188G>A

Gene: MAMLD1 (mastermind like domain containing 1; plus strand). Cytogenetic location: Xq28.
Variant type: single nucleotide variant.
Coding change: c.*188G>A on transcript NM_005491.5 (MANE Select); 188 bases downstream of the stop codon, G replaced by A.
Molecular consequence: 3 prime UTR variant. On other transcripts: missense variant (2).
Genome position (GRCh38, 1-based): chrX:150,512,147, G>A. VCF-style: chrX-150512147-G-A. GRCh37 (hg19) VCF-style: chrX-149680417-G-A.
Other names: c.2071G>A, p.Glu691Lys (NM_001177465.3); c.*188G>A (NM_001177466.3, NM_001400513.1, NM_001400514.1 and 1 more transcripts); c.2146G>A, p.Glu716Lys (NM_001400512.1); short protein forms E691K, E716K.
Identifiers: ClinVar variation 2661632 (VCV002661632.25), dbSNP rs782337643, ClinGen allele CA415250957.